The following is an entry in ClinVar:

NM_004204.5(PIGQ):c.1A>C (p.Met1Leu)

Gene: PIGQ (phosphatidylinositol glycan anchor biosynthesis class Q; plus strand). Cytogenetic location: 16p13.3.
Variant type: single nucleotide variant.
Coding change: c.1A>C on transcript NM_004204.5 (MANE Select); coding-DNA position 1, A replaced by C.
Protein change: p.Met1Leu; changes the start codon (methionine 1).
Molecular consequence: missense variant, initiator codon variant.
Genome position (GRCh38, 1-based): chr16:574,075, A>C. VCF-style: chr16-574075-A-C. GRCh37 (hg19) VCF-style: chr16-624075-A-C.
Other names: c.1A>C, p.Met1Leu (NM_148920.4); short protein forms M1L.
Identifiers: ClinVar variation 2168502 (VCV002168502.2), dbSNP rs759893684, ClinGen allele CA276481726.

ClinVar aggregate classification (germline): Uncertain significance (1 of 4 stars; one submission).

Conditions:
Epilepsy. Also called: Seizure disorder. Identifiers: MedGen C0014544, MeSH D004827, MONDO:0005027.

Allele frequency attached by ClinVar (database versions not stated): TOPMed below 0.00001; gnomAD 0.00003.

Submission:

Labcorp Genetics (formerly Invitae), Labcorp
Classification: Uncertain significance for Epilepsy. Last evaluated: 2022-07-23. Review status: criteria provided, single submitter. Criteria: Invitae Variant Classification Sherloc (09022015). Collection method: clinical testing. Allele origin: germline.
Comment: This sequence change affects the initiator methionine of the PIGQ mRNA. The next in-frame methionine is located at codon 127. This variant is present in population databases (no rsID available, gnomAD 0.01%). This variant has not been reported in the literature in individuals affected with PIGQ-related conditions. Experimental studies and prediction algorithms are not available or were not evaluated, and the functional significance of this variant is currently unknown. In summary, the available evidence is currently insufficient to determine the role of this variant in disease. Therefore, it has been classified as a Variant of Uncertain Significance.